The following is an entry in ClinVar:

ClinVar aggregate classification (germline): Uncertain significance. Review status: criteria provided, multiple submitters, no conflicts (2 of 4 stars). 2 submissions from 2 submitters: Uncertain significance (2). Last evaluated 2025-07-19.

Conditions:
DICER1-related tumor predisposition. Also called: DICER1-related pleuropulmonary blastoma cancer predisposition syndrome; DICER1 syndrome. Identifiers: Orphanet 284343, MedGen C3839822, MONDO:0100216.
Hereditary cancer-predisposing syndrome. Also called: Tumor predisposition; Neoplastic Syndromes, Hereditary; Hereditary Cancer Syndrome; Hereditary neoplastic syndrome. Identifiers: Orphanet 140162, MedGen C0027672, MeSH D009386, MONDO:0015356.

Allele frequency attached by ClinVar (database versions not stated): gnomAD exomes below 0.00001.
gnomAD v4.1: 1 of 1,613,930 alleles (0.000062%); highest among the groups gnomAD compares: Non-Finnish European, 0.000085%; no homozygotes.

Submissions (2):

Ambry Genetics
Classification: Uncertain significance for Hereditary cancer-predisposing syndrome. Last evaluated: 2025-07-19. Review status: criteria provided, single submitter. Criteria: Ambry Variant Classification Scheme 2023. Collection method: clinical testing. Allele origin: germline.
Comment: The p.E220D variant (also known as c.660A>C), located in coding exon 5 of the DICER1 gene, results from an A to C substitution at nucleotide position 660. The glutamic acid at codon 220 is replaced by aspartic acid, an amino acid with highly similar properties. This amino acid position is highly conserved in available vertebrate species. In addition, this alteration is predicted to be tolerated by in silico analysis. Since supporting evidence is limited at this time, the clinical significance of this alteration remains unclear.

Labcorp Genetics (formerly Invitae), Labcorp
Classification: Uncertain significance for DICER1-related tumor predisposition. Last evaluated: 2025-01-23. Review status: criteria provided, single submitter. Criteria: Invitae Variant Classification Sherloc (09022015). Collection method: clinical testing. Allele origin: germline.
Comment: This sequence change replaces glutamic acid, which is acidic and polar, with aspartic acid, which is acidic and polar, at codon 220 of the DICER1 protein (p.Glu220Asp). This variant is not present in population databases (gnomAD no frequency). This variant has not been reported in the literature in individuals affected with DICER1-related conditions. ClinVar contains an entry for this variant (Variation ID: 477276). Invitae Evidence Modeling of protein sequence and biophysical properties (such as structural, functional, and spatial information, amino acid conservation, physicochemical variation, residue mobility, and thermodynamic stability) indicates that this missense variant is not expected to disrupt DICER1 protein function with a negative predictive value of 95%. In summary, the available evidence is currently insufficient to determine the role of this variant in disease. Therefore, it has been classified as a Variant of Uncertain Significance.

NM_177438.3(DICER1):c.660A>C (p.Glu220Asp)

Gene: DICER1 (dicer 1, ribonuclease III; minus strand). Cytogenetic location: 14q32.13.
Variant type: single nucleotide variant.
Coding change: c.660A>C on transcript NM_177438.3 (MANE Select); coding-DNA position 660, A replaced by C.
Protein change: p.Glu220Asp; replaces glutamic acid 220 with aspartic acid.
Molecular consequence: missense variant.
Genome position (GRCh38, 1-based): chr14:95,129,546, T>G on the plus strand (A>C on the coding strand, the complement: DICER1 is on the minus strand). VCF-style: chr14-95129546-T-G. GRCh37 (hg19) VCF-style: chr14-95595883-T-G.
Other names: c.660A>C, p.Glu220Asp (NM_001195573.1, NM_001271282.3, NM_001291628.2 and 1 more transcripts); short protein forms E220D.
Identifiers: ClinVar variation 477276 (VCV000477276.16), dbSNP rs1555375819, ClinGen allele CA390888122.